The following is an entry in ClinVar:

NM_015192.4(PLCB1):c.2836A>G (p.Lys946Glu)

Gene: PLCB1 (phospholipase C beta 1; plus strand). Cytogenetic location: 20p12.3.
Variant type: single nucleotide variant.
Coding change: c.2836A>G on transcript NM_015192.4 (MANE Select); coding-DNA position 2836, A replaced by G.
Protein change: p.Lys946Glu; replaces lysine 946 with glutamic acid.
Molecular consequence: missense variant.
Genome position (GRCh38, 1-based): chr20:8,765,264, A>G. VCF-style: chr20-8765264-A-G. GRCh37 (hg19) VCF-style: chr20-8745911-A-G.
Other names: c.2836A>G, p.Lys946Glu (NM_182734.3); short protein forms K946E.
Identifiers: ClinVar variation 2000267 (VCV002000267.4), dbSNP rs2515336136, ClinGen allele CA408208764.

ClinVar aggregate classification (germline): Uncertain significance (1 of 4 stars; one submission).

Conditions:
Developmental and epileptic encephalopathy, 12 (DEE12). Identifiers: MedGen C3150988, MONDO:0013389, OMIM 613722.

Submission:

Labcorp Genetics (formerly Invitae), Labcorp
Classification: Uncertain significance for Developmental and epileptic encephalopathy, 12. Last evaluated: 2022-07-05. Review status: criteria provided, single submitter. Criteria: Invitae Variant Classification Sherloc (09022015). Collection method: clinical testing. Allele origin: germline.
Comment: In summary, the available evidence is currently insufficient to determine the role of this variant in disease. Therefore, it has been classified as a Variant of Uncertain Significance. Algorithms developed to predict the effect of missense changes on protein structure and function (SIFT, PolyPhen-2, Align-GVGD) all suggest that this variant is likely to be tolerated. This variant has not been reported in the literature in individuals affected with PLCB1-related conditions. This variant is not present in population databases (gnomAD no frequency). This sequence change replaces lysine, which is basic and polar, with glutamic acid, which is acidic and polar, at codon 946 of the PLCB1 protein (p.Lys946Glu).